The following is an entry in ClinVar:

ClinVar aggregate classification (germline): Likely benign (1 of 4 stars; one submission).

gnomAD v4.1: 2 of 1,612,706 alleles (0.00012%); highest among the groups gnomAD compares: Non-Finnish European, 0.00017%; no homozygotes.

Submission:

CeGaT Center for Human Genetics Tuebingen
Classification: Likely benign. Last evaluated: 2026-03-01. Review status: criteria provided, single submitter. Criteria: CeGaT Center For Human Genetics Tuebingen Variant Classification Criteria Version 2. Collection method: clinical testing. Allele origin: germline. Affected: yes. Observed: 1 variant allele.
Comment: KMT5B: BP4, BP7

NM_017635.5(KMT5B):c.1332T>C (p.Pro444=)

Gene: KMT5B (lysine methyltransferase 5B; minus strand). Cytogenetic location: 11q13.2.
Variant type: single nucleotide variant.
Coding change: c.1332T>C on transcript NM_017635.5 (MANE Select); coding-DNA position 1332, T replaced by C.
Protein change: p.Pro444=; no amino-acid change (proline 444 retained).
Molecular consequence: synonymous variant.
Genome position (GRCh38, 1-based): chr11:68,159,014, A>G on the plus strand (T>C on the coding strand, the complement: KMT5B is on the minus strand). VCF-style: chr11-68159014-A-G. GRCh37 (hg19) VCF-style: chr11-67926481-A-G.
Other names: c.816T>C, p.Pro272= (NM_001300907.1, NM_001369428.1, NM_001369429.1 and 4 more transcripts); c.612T>C, p.Pro204= (NM_001300908.2); c.1332T>C, p.Pro444= (NM_001369426.1).
Identifiers: ClinVar variation 4821863 (VCV004821863.4).